The following is an entry in ClinVar:

NM_024422.6(DSC2):c.2356A>G (p.Met786Val)

Gene: DSC2 (desmocollin 2; minus strand). Cytogenetic location: 18q12.1.
Variant type: single nucleotide variant.
Coding change: c.2356A>G on transcript NM_024422.6 (MANE Select); coding-DNA position 2356, A replaced by G.
Protein change: p.Met786Val; replaces methionine 786 with valine.
Molecular consequence: missense variant.
Genome position (GRCh38, 1-based): chr18:31,069,046, T>C on the plus strand (A>G on the coding strand, the complement: DSC2 is on the minus strand). VCF-style: chr18-31069046-T-C. GRCh37 (hg19) VCF-style: chr18-28649012-T-C.
Other names: c.1927A>G, p.Met643Val (NM_001406506.1, NM_001406507.1); c.2356A>G, p.Met786Val (NM_004949.5); short protein forms M786V, M643V.
Identifiers: ClinVar variation 4244901 (VCV004244901.1).
Genomic context (GRCh38, chr18:31,069,046, plus strand): 5'-GGGTGTGATGGTGGCCAGCCCCCCGGCAGGATTCCGAGGTCTGGTGTCCTCCTTTCACCA[T>C]TTCGATGGTCTCCTGACCTCCGTTTTTGATTCCTGATCCCACGGTGCCACAAACTCCCTG-3'
Protein context (NP_077740.1, residues 776-796): IKNGGQETIE[Met786Val]VKGGHQTSES

ClinVar aggregate classification (germline): Uncertain significance (1 of 4 stars; one submission).

Conditions:
Cardiovascular phenotype. Identifiers: MedGen CN230736.

gnomAD v4.1: 1 of 1,614,126 alleles (0.000062%); highest among the groups gnomAD compares: Non-Finnish European, 0.000085%; no homozygotes.

Submission:

Ambry Genetics
Classification: Uncertain significance for Cardiovascular phenotype. Last evaluated: 2025-08-20. Review status: criteria provided, single submitter. Criteria: Ambry Variant Classification Scheme 2023. Collection method: clinical testing. Allele origin: germline.
Comment: The p.M786V variant (also known as c.2356A>G), located in coding exon 15 of the DSC2 gene, results from an A to G substitution at nucleotide position 2356. The methionine at codon 786 is replaced by valine, an amino acid with highly similar properties. This amino acid position is conserved. In addition, this alteration is predicted to be tolerated by in silico analysis. Based on the available evidence, the clinical significance of this variant remains unclear.